The following is an entry in ClinVar:

NM_017617.5(NOTCH1):c.7289G>C (p.Gly2430Ala)

Gene: NOTCH1 (notch receptor 1; minus strand). Cytogenetic location: 9q34.3.
Variant type: single nucleotide variant.
Coding change: c.7289G>C on transcript NM_017617.5 (MANE Select); coding-DNA position 7289, G replaced by C.
Protein change: p.Gly2430Ala; replaces glycine 2430 with alanine.
Molecular consequence: missense variant.
Genome position (GRCh38, 1-based): chr9:136,496,450, C>G on the plus strand (G>C on the coding strand, the complement: NOTCH1 is on the minus strand). VCF-style: chr9-136496450-C-G. GRCh37 (hg19) VCF-style: chr9-139390902-C-G.
Other names: c.7289G>C, p.Gly2430Ala (LRG_1122t1); c.7289G>C (NM_017617.4); short protein forms G2430A.
Identifiers: ClinVar variation 264535 (VCV000264535.21), dbSNP rs36049318, ClinGen allele CA5339706.
Genomic context (GRCh38, chr9:136,496,450, plus strand): 5'-CTGCTGGGGCCCAGTGGCTGCACGTCTGCCTGGCTCGGCTCTCCACTCAGGAAGCTCCGG[C>G]CCAGGTGGCCGCTGGCTGCTGAGCTCACGCCAAGGTGCGGCTGTGGTGGTGGTGGTGGCG-3'
Protein context (NP_060087.3, residues 2420-2440): GVSSAASGHL[Gly2430Ala]RSFLSGEPSQ

ClinVar aggregate classification (germline): Benign/Likely benign. Review status: criteria provided, multiple submitters, no conflicts (2 of 4 stars). 9 submissions from 8 submitters: Benign (3); Likely benign (6). Last evaluated 2026-02-01.

Conditions:
Adams-Oliver syndrome 5 (AOS5). Identifiers: Orphanet 974, MedGen C4014970, MONDO:0014459, OMIM 616028.
Familial thoracic aortic aneurysm and aortic dissection (TAAD). Also called: Thoracic aortic aneurysms and dissections. Identifiers: Orphanet 91387, MedGen C4707243, MONDO:0019625.
Aortic valve disease 1 (AOVD1). Identifiers: MedGen C3887892, MONDO:0024523, OMIM 109730.

Allele frequency attached by ClinVar (database versions not stated): gnomAD exomes 0.00018 and 0.00041; ExAC 0.00043; ESP Exome Variant Server 0.00134; gnomAD 0.00187 and 0.00200; 1000 Genomes Project 30x 0.00203; TOPMed 0.00207; 1000 Genomes Project 0.00220.
gnomAD v4.1: 552 of 1,600,282 alleles (0.034%); highest among the groups gnomAD compares: African/African-American, 0.68%; 4 homozygotes.

Submissions (9):

Labcorp Genetics (formerly Invitae), Labcorp
Classification: Benign for Adams-Oliver syndrome 5. Last evaluated: 2026-02-01. Review status: criteria provided, single submitter. Criteria: Invitae Variant Classification Sherloc (09022015). Collection method: clinical testing. Allele origin: germline.

ARUP Laboratories, Molecular Genetics and Genomics, ARUP Laboratories
Classification: Likely benign. Last evaluated: 2025-06-16. Review status: criteria provided, single submitter. Criteria: ARUP Molecular Germline Variant Investigation Process 2024. Collection method: clinical testing. Allele origin: germline.

Blueprint Genetics
Classification: Likely benign. Last evaluated: 2024-11-11. Review status: criteria provided, single submitter. Criteria: ACMG Guidelines, 2015. Collection method: clinical testing. Allele origin: germline.

Women's Health and Genetics/Laboratory Corporation of America, LabCorp
Classification: Likely benign. Last evaluated: 2023-07-21. Review status: criteria provided, single submitter. Criteria: LabCorp Variant Classification Summary - May 2015. Collection method: clinical testing. Allele origin: germline.

Genome-Nilou Lab
Classification: Benign for Adams-Oliver syndrome 5. Last evaluated: 2022-03-15. Review status: criteria provided, single submitter. Criteria: ACMG Guidelines, 2015. Collection method: clinical testing. Allele origin: germline. Affected: no.

Genome-Nilou Lab
Classification: Benign for Aortic valve disease 1. Last evaluated: 2022-03-15. Review status: criteria provided, single submitter. Criteria: ACMG Guidelines, 2015. Collection method: clinical testing. Allele origin: germline. Affected: no.

Ambry Genetics
Classification: Likely benign for Familial thoracic aortic aneurysm and aortic dissection. Last evaluated: 2019-03-22. Review status: criteria provided, single submitter. Criteria: Ambry Variant Classification Scheme 2023. Collection method: clinical testing. Allele origin: germline.

GeneDx
Classification: Likely benign. Last evaluated: 2017-07-28. Review status: criteria provided, single submitter. Criteria: GeneDx Variant Classification (06012015). Collection method: clinical testing. Allele origin: germline. Affected: yes.
Comment: This variant is considered likely benign or benign based on one or more of the following criteria: it is a conservative change, it occurs at a poorly conserved position in the protein, it is predicted to be benign by multiple in silico algorithms, and/or has population frequency not consistent with disease.

Breakthrough Genomics
Classification: Likely benign. Review status: criteria provided, single submitter. Criteria: ACMG Guidelines, 2015. Collection method: not provided. Allele origin: germline. Inheritance: Autosomal dominant inheritance. Affected: yes.

Literature cited by the submitters: PubMed 24943832 (cited by Women's Health and Genetics/Laboratory Corporation of America, LabCorp); PubMed 16614245 (cited by Women's Health and Genetics/Laboratory Corporation of America, LabCorp); PubMed 21670202 (cited by Women's Health and Genetics/Laboratory Corporation of America, LabCorp); PubMed 22210878 (cited by Women's Health and Genetics/Laboratory Corporation of America, LabCorp); PubMed 19635999 (cited by Women's Health and Genetics/Laboratory Corporation of America, LabCorp); PubMed 26837699 (cited by Women's Health and Genetics/Laboratory Corporation of America, LabCorp); PubMed 23086750 (cited by Women's Health and Genetics/Laboratory Corporation of America, LabCorp); PubMed 19245433 (cited by Women's Health and Genetics/Laboratory Corporation of America, LabCorp); PubMed 22077063 (cited by Women's Health and Genetics/Laboratory Corporation of America, LabCorp); PubMed 15472075 (cited by Women's Health and Genetics/Laboratory Corporation of America, LabCorp); PubMed 23734977 (cited by Women's Health and Genetics/Laboratory Corporation of America, LabCorp); PubMed 22858860 (cited by Women's Health and Genetics/Laboratory Corporation of America, LabCorp).